The following is an entry in ClinVar:

ClinVar aggregate classification (germline): Uncertain significance (1 of 4 stars; one submission).

Conditions:
Immunodeficiency, common variable, 4. Also called: ANTIBODY DEFICIENCY DUE TO BAFFR DEFECT. Identifiers: Orphanet 1572, Orphanet 696925, MedGen C3150739, MONDO:0013284, OMIM 613494.

Submission:

Labcorp Genetics (formerly Invitae), Labcorp
Classification: Uncertain significance for Immunodeficiency, common variable, 4. Last evaluated: 2023-04-14. Review status: criteria provided, single submitter. Criteria: Invitae Variant Classification Sherloc (09022015). Collection method: clinical testing. Allele origin: germline.
Comment: In summary, the available evidence is currently insufficient to determine the role of this variant in disease. Therefore, it has been classified as a Variant of Uncertain Significance. An algorithm developed to predict the effect of missense changes on protein structure and function (PolyPhen-2) suggests that this variant is likely to be disruptive. This variant has not been reported in the literature in individuals affected with TNFRSF13C-related conditions. This variant is not present in population databases (gnomAD no frequency). This sequence change replaces glutamic acid, which is acidic and polar, with glycine, which is neutral and non-polar, at codon 23 of the TNFRSF13C protein (p.Glu23Gly).

NM_052945.4(TNFRSF13C):c.68A>G (p.Glu23Gly)

Genes: TNFRSF13C (TNF receptor superfamily member 13C; minus strand), LOC130067574 (ATAC-STARR-seq lymphoblastoid silent region 13813; plus strand). Cytogenetic location: 22q13.2.
Variant type: single nucleotide variant.
Coding change: c.68A>G on transcript NM_052945.4 (MANE Select); coding-DNA position 68, A replaced by G.
Protein change: p.Glu23Gly; replaces glutamic acid 23 with glycine.
Molecular consequence: missense variant.
Genome position (GRCh38, 1-based): chr22:41,926,706, T>C on the plus strand (A>G on the coding strand, the complement: TNFRSF13C is on the minus strand). VCF-style: chr22-41926706-T-C. GRCh37 (hg19) VCF-style: chr22-42322710-T-C.
Other names: short protein forms E23G.
Identifiers: ClinVar variation 2856258 (VCV002856258.3), dbSNP rs2518792060, ClinGen allele CA411763735.
Genomic context (GRCh38, chr22:41,926,706, plus strand): 5'-GGCCGCGGCGTGCGCAGGAGCCCGCAGGCCACGCAGTGGCGGACCAGCAGGTCGAAGCAC[T>C]CGGCCGGGACGCAGGGCGTGGGGGCTGGCGCGTCCCTGCCCCGCAGGCTCCGGGGCCCTC-3'
Protein context (NP_443177.1, residues 13-33): APAPTPCVPA[Glu23Gly]CFDLLVRHCV